The following is an entry in ClinVar:

NM_000138.5(FBN1):c.2228G>C (p.Arg743Pro)

Gene: FBN1 (fibrillin 1; minus strand). Cytogenetic location: 15q21.1.
Variant type: single nucleotide variant.
Coding change: c.2228G>C on transcript NM_000138.5 (MANE Select); coding-DNA position 2228, G replaced by C.
Protein change: p.Arg743Pro; replaces arginine 743 with proline.
Molecular consequence: missense variant.
Genome position (GRCh38, 1-based): chr15:48,497,331, C>G on the plus strand (G>C on the coding strand, the complement: FBN1 is on the minus strand). VCF-style: chr15-48497331-C-G. GRCh37 (hg19) VCF-style: chr15-48789528-C-G.
Other names: c.2228G>C, p.Arg743Pro (NM_001406716.1); short protein forms R743P.
Identifiers: ClinVar variation 1788025 (VCV001788025.2), dbSNP rs761942436, ClinGen allele CA392335721.

ClinVar aggregate classification (germline): Uncertain significance (1 of 4 stars; one submission).

Conditions:
Familial thoracic aortic aneurysm and aortic dissection (TAAD). Also called: Thoracic aortic aneurysms and dissections. Identifiers: Orphanet 91387, MedGen C4707243, MONDO:0019625.

Submission:

Ambry Genetics
Classification: Uncertain significance for Familial thoracic aortic aneurysm and aortic dissection. Last evaluated: 2021-06-11. Review status: criteria provided, single submitter. Criteria: Ambry Variant Classification Scheme 2023. Collection method: clinical testing. Allele origin: germline.
Comment: The p.R743P variant (also known as c.2228G>C), located in coding exon 18 of the FBN1 gene, results from a G to C substitution at nucleotide position 2228. The arginine at codon 743 is replaced by proline, an amino acid with dissimilar properties, and is located in the cbEGF-like #07 domain. This amino acid position is not well conserved in available vertebrate species. In addition, the in silico prediction for this alteration is inconclusive. Since supporting evidence is limited at this time, the clinical significance of this alteration remains unclear.